The following is an entry in ClinVar:

ClinVar aggregate classification (germline): Pathogenic/Likely pathogenic. Review status: criteria provided, multiple submitters, no conflicts (2 of 4 stars). 8 submissions from 8 submitters: Pathogenic (6); Likely pathogenic (2). Last evaluated 2024-10-16.

Conditions:
Familial cancer of breast. Also called: Hereditary breast cancer; hereditary breast carcinoma; BREAST CANCER, FAMILIAL. Identifiers: Orphanet 227535, MedGen C0346153, MONDO:0016419, OMIM 114480. Disease mechanism: loss of function.
Ataxia-telangiectasia syndrome (AT). Also called: Cerebello-oculocutaneous telangiectasia; Immunodeficiency with ataxia telangiectasia; Ataxia-telangiectasia, complementation group D; AT, COMPLEMENTATION GROUP C; ATAXIA-TELANGIECTASIA, FRESNO VARIANT; ATAXIA-TELANGIECTASIA, COMPLEMENTATION GROUP A. Identifiers: Orphanet 100, MedGen C0004135, MONDO:0008840, OMIM 208900.
Hereditary cancer-predisposing syndrome. Also called: Neoplastic Syndromes, Hereditary; Hereditary Cancer Syndrome; Hereditary neoplastic syndrome; Tumor predisposition. Identifiers: Orphanet 140162, MedGen C0027672, MeSH D009386, MONDO:0015356.

gnomAD v4.1: 1 of 1,613,444 alleles (0.000062%); no homozygotes.

Submissions (8):

Labcorp Genetics (formerly Invitae), Labcorp
Classification: Pathogenic for Ataxia-telangiectasia syndrome. Last evaluated: 2024-10-16. Review status: criteria provided, single submitter. Criteria: Invitae Variant Classification Sherloc (09022015). Collection method: clinical testing. Allele origin: germline.
Comment: This sequence change creates a premature translational stop signal (p.Gln95*) in the ATM gene. It is expected to result in an absent or disrupted protein product. Loss-of-function variants in ATM are known to be pathogenic (PMID: 23807571, 25614872). This variant is not present in population databases (gnomAD no frequency). This premature translational stop signal has been observed in individual(s) with breast cancer (PMID: 26317927, 26689913). ClinVar contains an entry for this variant (Variation ID: 141167). Algorithms developed to predict the effect of sequence changes on RNA splicing suggest that this variant may disrupt the consensus splice site. For these reasons, this variant has been classified as Pathogenic.

Molecular Pathology, Peter Maccallum Cancer Centre
Classification: Pathogenic for Ataxia-telangiectasia syndrome. Last evaluated: 2024-01-10. Review status: criteria provided, single submitter. Criteria: ACMG Guidelines, 2015. Collection method: clinical testing. Allele origin: germline. Inheritance: Autosomal recessive inheritance.

Myriad Genetics, Inc.
Classification: Pathogenic for Familial cancer of breast. Last evaluated: 2024-01-08. Review status: criteria provided, single submitter. Criteria: Myriad Autosomal Dominant, Autosomal Recessive and X-Linked Classification Criteria (2023). Collection method: clinical testing. Allele origin: unknown.
Comment: This variant is considered pathogenic. This variant creates a termination codon and is predicted to result in premature protein truncation.

Ambry Genetics
Classification: Pathogenic for Hereditary cancer-predisposing syndrome. Last evaluated: 2023-08-30. Review status: criteria provided, single submitter. Criteria: Ambry Variant Classification Scheme 2023. Collection method: clinical testing. Allele origin: germline.
Comment: The p.Q95* pathogenic mutation (also known as c.283C>T), located in coding exon 3 of the ATM gene, results from a C to T substitution at nucleotide position 283. This changes the amino acid from a glutamine to a stop codon within coding exon 3. This alteration is expected to result in loss of function by premature protein truncation or nonsense-mediated mRNA decay. As such, this alteration is interpreted as a disease-causing mutation.

Baylor Genetics
Classification: Pathogenic for Familial cancer of breast. Last evaluated: 2022-12-23. Review status: criteria provided, single submitter. Criteria: ACMG Guidelines, 2015. Collection method: clinical testing. Allele origin: unknown.

Fulgent Genetics
Classification: Likely pathogenic for Familial cancer of breast; Ataxia-telangiectasia syndrome. Last evaluated: 2022-05-27. Review status: criteria provided, single submitter. Criteria: ACMG Guidelines, 2015. Collection method: clinical testing. Allele origin: unknown.

Color Diagnostics, LLC DBA Color Health
Classification: Pathogenic for Hereditary cancer-predisposing syndrome. Last evaluated: 2021-04-28. Review status: criteria provided, single submitter. Criteria: ACMG Guidelines, 2015. Collection method: clinical testing. Allele origin: germline.
Comment: This variant changes 1 nucleotide in exon 4 of the ATM gene, creating a premature translation stop signal. This variant is expected to result in an absent or non-functional protein product. To our knowledge, this variant has not been reported in individuals affected with hereditary cancer in the literature. This variant has been identified in 1/250948 chromosomes in the general population by the Genome Aggregation Database (gnomAD). Loss of ATM function is a known mechanism of disease. Based on the available evidence, this variant is classified as Pathogenic.

Women's Health and Genetics/Laboratory Corporation of America, LabCorp
Classification: Likely pathogenic for Familial cancer of breast. Last evaluated: 2019-06-06. Review status: criteria provided, single submitter. Criteria: LabCorp Variant Classification Summary - May 2015. Collection method: clinical testing. Allele origin: germline.
Comment: Variant summary: ATM c.283C>T (p.Gln95X) results in a premature termination codon, predicted to cause a truncation of the encoded protein or absence of the protein due to nonsense mediated decay, which are commonly known mechanisms for disease. Truncations downstream of this position have been classified as pathogenic by our laboratory. The variant allele was found at a frequency of 4e-06 in 250948 control chromosomes. c.283C>T has been reported in the literature in individuals affected with Breast Cancer (Lu_2015). These data do not allow any conclusion about variant significance. To our knowledge, no experimental evidence demonstrating an impact on protein function has been reported. One clinical diagnostic laboratory has submitted clinical-significance assessments for this variant to ClinVar after 2014 without evidence for independent evaluation and classified the variant as pathogenic. Based on the evidence outlined above, the variant was classified as likely pathogenic.

Literature cited by the submitters: PubMed 23807571 (cited by Labcorp Genetics (formerly Invitae), Labcorp); PubMed 25614872 (cited by Labcorp Genetics (formerly Invitae), Labcorp); PubMed 26317927 (cited by Labcorp Genetics (formerly Invitae), Labcorp and Women's Health and Genetics/Laboratory Corporation of America, LabCorp); PubMed 26689913 (cited by Labcorp Genetics (formerly Invitae), Labcorp and Women's Health and Genetics/Laboratory Corporation of America, LabCorp); PubMed 28152038 (cited by Women's Health and Genetics/Laboratory Corporation of America, LabCorp); PubMed 26098866 (cited by Women's Health and Genetics/Laboratory Corporation of America, LabCorp).

NM_000051.4(ATM):c.283C>T (p.Gln95Ter)

Gene: ATM (ATM serine/threonine kinase; plus strand). Cytogenetic location: 11q22.3.
Variant type: single nucleotide variant.
Coding change: c.283C>T on transcript NM_000051.4 (MANE Select); coding-DNA position 283, C replaced by T.
Protein change: p.Gln95Ter; replaces glutamine 95 with a stop codon.
Molecular consequence: nonsense.
Genome position (GRCh38, 1-based): chr11:108,229,275, C>T. VCF-style: chr11-108229275-C-T. GRCh37 (hg19) VCF-style: chr11-108100002-C-T.
Other names: c.283C>T, p.Gln95Ter (NM_001351834.2, NM_001351835.2, NM_001351836.2); short protein forms Q95*.
Identifiers: ClinVar variation 141167 (VCV000141167.20), dbSNP rs587781545, ClinGen allele CA164660.